The following is an entry in ClinVar:

ClinVar aggregate classification (germline): Uncertain significance. Review status: criteria provided, multiple submitters, no conflicts (2 of 4 stars). 2 submissions from 2 submitters: Uncertain significance (2). Last evaluated 2024-01-17.

Conditions:
Inborn genetic diseases. Identifiers: MedGen C0950123, MeSH D030342.

Allele frequency attached by ClinVar (database versions not stated): gnomAD exomes 0.00004; ExAC 0.00013; 1000 Genomes Project 0.00040; 1000 Genomes Project 30x 0.00047; gnomAD 0.00048; TOPMed 0.00057; ESP Exome Variant Server 0.00077.
gnomAD v4.1: 144 of 1,608,742 alleles (0.009%); highest among the groups gnomAD compares: African/African-American, 0.13%; 1 homozygote.

Submissions (2):

Ambry Genetics
Classification: Uncertain significance for Inborn genetic diseases. Last evaluated: 2024-01-17. Review status: criteria provided, single submitter. Criteria: Ambry Variant Classification Scheme 2023. Collection method: clinical testing. Allele origin: germline.

Labcorp Genetics (formerly Invitae), Labcorp
Classification: Uncertain significance. Last evaluated: 2022-03-16. Review status: criteria provided, single submitter. Criteria: Invitae Variant Classification Sherloc (09022015). Collection method: clinical testing. Allele origin: germline.
Comment: This sequence change replaces arginine, which is basic and polar, with cysteine, which is neutral and slightly polar, at codon 628 of the DZIP1L protein (p.Arg628Cys). This variant is present in population databases (rs146774074, gnomAD 0.1%), including at least one homozygous and/or hemizygous individual. This variant has not been reported in the literature in individuals affected with DZIP1L-related conditions. Algorithms developed to predict the effect of missense changes on protein structure and function are either unavailable or do not agree on the potential impact of this missense change (SIFT: "Deleterious"; PolyPhen-2: "Benign"; Align-GVGD: "Class C25"). In summary, the available evidence is currently insufficient to determine the role of this variant in disease. Therefore, it has been classified as a Variant of Uncertain Significance.

NM_173543.3(DZIP1L):c.1882C>T (p.Arg628Cys)

Gene: DZIP1L (DAZ interacting zinc finger protein 1 like; minus strand). Cytogenetic location: 3q22.3.
Variant type: single nucleotide variant.
Coding change: c.1882C>T on transcript NM_173543.3 (MANE Select); coding-DNA position 1882, C replaced by T.
Protein change: p.Arg628Cys; replaces arginine 628 with cysteine.
Molecular consequence: missense variant.
Genome position (GRCh38, 1-based): chr3:138,067,651, G>A on the plus strand (C>T on the coding strand, the complement: DZIP1L is on the minus strand). VCF-style: chr3-138067651-G-A. GRCh37 (hg19) VCF-style: chr3-137786493-G-A.
Other names: short protein forms R628C.
Identifiers: ClinVar variation 2046482 (VCV002046482.2), dbSNP rs146774074, ClinGen allele CA2634736.